The following is an entry in ClinVar:

ClinVar aggregate classification (germline): Uncertain significance. Review status: criteria provided, multiple submitters, no conflicts (2 of 4 stars). 2 submissions from 2 submitters: Uncertain significance (2). Last evaluated 2025-09-28.

Conditions:
Hereditary cancer-predisposing syndrome. Also called: Tumor predisposition; Hereditary neoplastic syndrome; Hereditary Cancer Syndrome; Neoplastic Syndromes, Hereditary. Identifiers: Orphanet 140162, MedGen C0027672, MeSH D009386, MONDO:0015356.

Submissions (2):

Labcorp Genetics (formerly Invitae), Labcorp
Classification: Uncertain significance. Last evaluated: 2025-09-28. Review status: criteria provided, single submitter. Criteria: Invitae Variant Classification Sherloc (09022015). Collection method: clinical testing. Allele origin: germline.
Comment: This sequence change replaces valine, which is neutral and non-polar, with alanine, which is neutral and non-polar, at codon 646 of the POLE protein (p.Val646Ala). This variant is not present in population databases (gnomAD no frequency). This variant has not been reported in the literature in individuals affected with POLE-related conditions. ClinVar contains an entry for this variant (Variation ID: 3935767). Invitae Evidence Modeling of protein sequence and biophysical properties (such as structural, functional, and spatial information, amino acid conservation, physicochemical variation, residue mobility, and thermodynamic stability) indicates that this missense variant is not expected to disrupt POLE protein function with a negative predictive value of 80%. In summary, the available evidence is currently insufficient to determine the role of this variant in disease. Therefore, it has been classified as a Variant of Uncertain Significance.

Ambry Genetics
Classification: Uncertain significance for Hereditary cancer-predisposing syndrome. Last evaluated: 2025-05-19. Review status: criteria provided, single submitter. Criteria: Ambry Variant Classification Scheme 2023. Collection method: clinical testing. Allele origin: germline.
Comment: The p.V646A variant (also known as c.1937T>C), located in coding exon 18 of the POLE gene, results from a T to C substitution at nucleotide position 1937. The valine at codon 646 is replaced by alanine, an amino acid with similar properties. This amino acid position is conserved. In addition, the in silico prediction for this alteration is inconclusive. Based on the available evidence, the clinical significance of this variant remains unclear.

NM_006231.4(POLE):c.1937T>C (p.Val646Ala)

Gene: POLE (DNA polymerase epsilon, catalytic subunit; minus strand). Cytogenetic location: 12q24.33.
Variant type: single nucleotide variant.
Coding change: c.1937T>C on transcript NM_006231.4 (MANE Select); coding-DNA position 1937, T replaced by C.
Protein change: p.Val646Ala; replaces valine 646 with alanine.
Molecular consequence: missense variant.
Genome position (GRCh38, 1-based): chr12:132,668,724, A>G on the plus strand (T>C on the coding strand, the complement: POLE is on the minus strand). VCF-style: chr12-132668724-A-G. GRCh37 (hg19) VCF-style: chr12-133245310-A-G.
Other names: short protein forms V646A.
Identifiers: ClinVar variation 3935767 (VCV003935767.2).
Genomic context (GRCh38, chr12:132,668,724, plus strand): 5'-TTCCGCTGGCAGTTTGCTCCAGGCTTATTGAAGTCACAGGCAGCACAGGTGGCTTCGTCC[A>G]CCATGGCAGAGGGCTGGGAGGGGTGAGAAAGCACTTAGGGCTGGGCAGAGAGAGCTCCGA-3'
Protein context (NP_006222.2, residues 636-656): LTNRLQPSAM[Val646Ala]DEATCAACDF